The following is an entry in ClinVar:

NM_004715.5(CTDP1):c.71G>T (p.Cys24Phe)

Gene: CTDP1 (CTD phosphatase subunit 1; plus strand). Cytogenetic location: 18q23.
Variant type: single nucleotide variant.
Coding change: c.71G>T on transcript NM_004715.5 (MANE Select); coding-DNA position 71, G replaced by T.
Protein change: p.Cys24Phe; replaces cysteine 24 with phenylalanine.
Molecular consequence: missense variant.
Genome position (GRCh38, 1-based): chr18:79,680,018, G>T. VCF-style: chr18-79680018-G-T. GRCh37 (hg19) VCF-style: chr18-77440018-G-T.
Other names: c.71G>T, p.Cys24Phe (NM_001318511.2, NM_048368.4); c.71G>T (NM_004715.4); short protein forms C24F.
Identifiers: ClinVar variation 1525483 (VCV001525483.4), dbSNP rs1013867401, ClinGen allele CA303773914.

ClinVar aggregate classification (germline): Uncertain significance. Review status: criteria provided, multiple submitters, no conflicts (2 of 4 stars). 2 submissions from 2 submitters: Uncertain significance (2). Last evaluated 2023-07-25.

Allele frequency attached by ClinVar (database versions not stated): gnomAD 0.00009; gnomAD exomes 0.00017; TOPMed 0.00010.
gnomAD v4.1: 164 of 1,271,870 alleles (0.013%); highest among the groups gnomAD compares: Non-Finnish European, 0.015%; no homozygotes.

Submissions (2):

Ambry Genetics
Classification: Uncertain significance. Last evaluated: 2023-07-25. Review status: criteria provided, single submitter. Criteria: Ambry Variant Classification Scheme 2023. Collection method: clinical testing. Allele origin: germline.

Labcorp Genetics (formerly Invitae), Labcorp
Classification: Uncertain significance. Last evaluated: 2021-11-28. Review status: criteria provided, single submitter. Criteria: Invitae Variant Classification Sherloc (09022015). Collection method: clinical testing. Allele origin: germline.
Comment: This sequence change replaces cysteine, which is neutral and slightly polar, with phenylalanine, which is neutral and non-polar, at codon 24 of the CTDP1 protein (p.Cys24Phe). The frequency data for this variant in the population databases is considered unreliable, as metrics indicate poor data quality at this position in the gnomAD database. This variant has not been reported in the literature in individuals affected with CTDP1-related conditions. Algorithms developed to predict the effect of missense changes on protein structure and function (SIFT, PolyPhen-2, Align-GVGD) all suggest that this variant is likely to be tolerated. In summary, the available evidence is currently insufficient to determine the role of this variant in disease. Therefore, it has been classified as a Variant of Uncertain Significance.